The following is an entry in ClinVar:

NM_000552.5(VWF):c.4918G>T (p.Glu1640Ter)

Gene: VWF (von Willebrand factor; minus strand). Cytogenetic location: 12p13.31.
Variant type: single nucleotide variant.
Coding change: c.4918G>T on transcript NM_000552.5 (MANE Select); coding-DNA position 4918, G replaced by T.
Protein change: p.Glu1640Ter; replaces glutamic acid 1640 with a stop codon.
Molecular consequence: nonsense.
Genome position (GRCh38, 1-based): chr12:6,018,500, C>A on the plus strand (G>T on the coding strand, the complement: VWF is on the minus strand). VCF-style: chr12-6018500-C-A. GRCh37 (hg19) VCF-style: chr12-6127666-C-A.
Other names: p.Glu1640*; short protein forms E1640*.
Identifiers: ClinVar variation 3381079 (VCV003381079.1).

ClinVar aggregate classification (germline): Likely pathogenic (1 of 4 stars; one submission).

Submission:

Mayo Clinic Laboratories, Mayo Clinic
Classification: Likely pathogenic. Last evaluated: 2023-12-20. Review status: criteria provided, single submitter. Criteria: ACMG Guidelines, 2015. Collection method: clinical testing. Allele origin: germline. Observed: 1 variant allele.
Comment: PM2_moderate, PVS1